The following is an entry in ClinVar:

NM_001378454.1(ALMS1):c.9554T>C (p.Met3185Thr)

Gene: ALMS1 (ALMS1 centrosome and basal body associated protein; plus strand). Cytogenetic location: 2p13.1.
Variant type: single nucleotide variant.
Coding change: c.9554T>C on transcript NM_001378454.1 (MANE Select); coding-DNA position 9554, T replaced by C.
Protein change: p.Met3185Thr; replaces methionine 3185 with threonine.
Molecular consequence: missense variant.
Genome position (GRCh38, 1-based): chr2:73,519,789, T>C. VCF-style: chr2-73519789-T-C. GRCh37 (hg19) VCF-style: chr2-73746916-T-C.
Other names: c.9557T>C, p.Met3186Thr (NM_015120.4); short protein forms M3185T, M3186T.
Identifiers: ClinVar variation 1447995 (VCV001447995.5), dbSNP rs2103961851, ClinGen allele CA347280753.

ClinVar aggregate classification (germline): Uncertain significance (1 of 4 stars; one submission).

Conditions:
Alstrom syndrome (ALMS). Identifiers: Orphanet 64, MedGen C0268425, MONDO:0008763, OMIM 203800.

Submission:

Labcorp Genetics (formerly Invitae), Labcorp
Classification: Uncertain significance for Alstrom syndrome. Last evaluated: 2024-08-30. Review status: criteria provided, single submitter. Criteria: Invitae Variant Classification Sherloc (09022015). Collection method: clinical testing. Allele origin: germline.
Comment: This sequence change replaces methionine, which is neutral and non-polar, with threonine, which is neutral and polar, at codon 3186 of the ALMS1 protein (p.Met3186Thr). This variant is not present in population databases (gnomAD no frequency). This variant has not been reported in the literature in individuals affected with ALMS1-related conditions. ClinVar contains an entry for this variant (Variation ID: 1447995). Experimental studies and prediction algorithms are not available or were not evaluated, and the functional significance of this variant is currently unknown. In summary, the available evidence is currently insufficient to determine the role of this variant in disease. Therefore, it has been classified as a Variant of Uncertain Significance.